The following is an entry in ClinVar:

ClinVar aggregate classification (germline): Uncertain significance (1 of 4 stars; one submission).

Submission:

GeneDx
Classification: Uncertain significance. Last evaluated: 2019-11-13. Review status: criteria provided, single submitter. Criteria: GeneDx Variant Classification Process June 2021. Collection method: clinical testing. Allele origin: germline. Affected: yes.
Comment: Not observed in large population cohorts (Lek et al., 2016); Has not been previously published as pathogenic or benign to our knowledge

NM_015922.3(NSDHL):c.-44+516G>T

Gene: NSDHL (NAD(P) dependent steroid dehydrogenase-like; plus strand). Cytogenetic location: Xq28.
Variant type: single nucleotide variant.
Coding change: c.-44+516G>T on transcript NM_015922.3 (MANE Select); 516 bases into the intron after 44 bases upstream of the start codon, G replaced by T.
Molecular consequence: intron variant. On other transcripts: splice acceptor variant (1).
Genome position (GRCh38, 1-based): chrX:152,831,633, G>T. VCF-style: chrX-152831633-G-T. GRCh37 (hg19) VCF-style: chrX-152000177-G-T.
Other names: c.-110-1G>T (NM_001129765.2).
Identifiers: ClinVar variation 1310340 (VCV001310340.2), dbSNP rs2124999209, ClinGen allele CA2573055134.